The following is an entry in ClinVar:

NM_001354604.2(MITF):c.634A>G (p.Met212Val)

Gene: MITF (melanocyte inducing transcription factor; plus strand). Cytogenetic location: 3p13.
Variant type: single nucleotide variant.
Coding change: c.634A>G on transcript NM_001354604.2 (MANE Select); coding-DNA position 634, A replaced by G.
Protein change: p.Met212Val; replaces methionine 212 with valine.
Molecular consequence: missense variant.
Genome position (GRCh38, 1-based): chr3:69,939,149, A>G. VCF-style: chr3-69939149-A-G. GRCh37 (hg19) VCF-style: chr3-69988300-A-G.
Other names: c.313A>G, p.Met105Val (NM_000248.4, NM_198158.3); c.478A>G, p.Met160Val (NM_001184967.2, NM_001354608.2); c.631A>G, p.Met211Val (NM_001354605.2, NM_001354606.2, NM_006722.3); c.583A>G, p.Met195Val (NM_001354607.2); c.634A>G, p.Met212Val (NM_198159.3); c.586A>G, p.Met196Val (NM_198177.3); c.145A>G, p.Met49Val (NM_198178.3); short protein forms M105V, M160V, M195V, M196V, M211V, M212V, M49V.
Identifiers: ClinVar variation 2574501 (VCV002574501.2), dbSNP rs2471591463, ClinGen allele CA353560930.

ClinVar aggregate classification (germline): Uncertain significance (1 of 4 stars; one submission).

gnomAD v4.1: 2 of 1,614,140 alleles (0.00012%); highest among the groups gnomAD compares: African/African-American, 0.0013%; no homozygotes.

Submission:

GeneDx
Classification: Uncertain significance. Last evaluated: 2024-02-23. Review status: criteria provided, single submitter. Criteria: GeneDx Variant Classification Process June 2021. Collection method: clinical testing. Allele origin: germline. Affected: yes.
Comment: Not observed at significant frequency in large population cohorts (gnomAD); In silico analysis supports that this missense variant does not alter protein structure/function; Has not been previously published as pathogenic or benign to our knowledge